The following is an entry in ClinVar:

ClinVar aggregate classification (germline): Likely benign. Review status: criteria provided, multiple submitters, no conflicts (2 of 4 stars). 4 submissions from 4 submitters: Likely benign (4). Last evaluated 2026-03-24.

Conditions:
Charcot-Marie-Tooth disease type 2. Also called: Charcot-Marie-Tooth type 2. Identifiers: Orphanet 64746, MedGen C0270914, MONDO:0018993.

Allele frequency attached by ClinVar (database versions not stated): gnomAD 0.00015 and 0.00016; TOPMed 0.00015.
gnomAD v4.1: 223 of 1,613,346 alleles (0.014%); highest among the groups gnomAD compares: Admixed American, 0.032%; no homozygotes.

Submissions (4):

Women's Health and Genetics/Laboratory Corporation of America, LabCorp
Classification: Likely benign. Last evaluated: 2026-03-24. Review status: criteria provided, single submitter. Criteria: LabCorp Variant Classification Summary - May 2015. Collection method: clinical testing. Allele origin: germline.
Comment: Variant summary: AARS1 c.480-8T>C alters a nucleotide located at a position not widely known to affect splicing. Consensus agreement among computation tools predict no significant impact on normal splicing. However, these predictions have yet to be confirmed by functional studies. The variant allele was found at a frequency of 0.00012 in 281348 control chromosomes. This frequency is not significantly higher than estimated for disease-causing variants in AARS1, allowing no conclusion about variant significance. To our knowledge, no occurrence of c.480-8T>C in individuals affected with AARS1-related conditions and no experimental evidence demonstrating its impact on protein function have been reported. ClinVar contains an entry for this variant (Variation ID: 509548). Based on the evidence outlined above, the variant was classified as likely benign.

Labcorp Genetics (formerly Invitae), Labcorp
Classification: Likely benign for Charcot-Marie-Tooth disease type 2. Last evaluated: 2026-02-02. Review status: criteria provided, single submitter. Criteria: Invitae Variant Classification Sherloc (09022015). Collection method: clinical testing. Allele origin: germline.

CeGaT Center for Human Genetics Tuebingen
Classification: Likely benign. Last evaluated: 2022-08-01. Review status: criteria provided, single submitter. Criteria: CeGaT Center For Human Genetics Tuebingen Variant Classification Criteria Version 2. Collection method: clinical testing. Allele origin: germline. Affected: yes. Observed: 1 variant allele.
Comment: AARS1: BP4

GeneDx
Classification: Likely benign. Last evaluated: 2020-07-16. Review status: criteria provided, single submitter. Criteria: GeneDx Variant Classification Process June 2021. Collection method: clinical testing. Allele origin: germline. Affected: yes.

NM_001605.3(AARS1):c.480-8T>C

Gene: AARS1 (alanyl-tRNA synthetase 1; minus strand). Cytogenetic location: 16q22.1.
Variant type: single nucleotide variant.
Coding change: c.480-8T>C on transcript NM_001605.3 (MANE Select); 8 bases into the intron before coding-DNA position 480, T replaced by C.
Molecular consequence: intron variant.
Genome position (GRCh38, 1-based): chr16:70,271,980, A>G on the plus strand (T>C on the coding strand, the complement: AARS1 is on the minus strand). VCF-style: chr16-70271980-A-G. GRCh37 (hg19) VCF-style: chr16-70305883-A-G.
Identifiers: ClinVar variation 509548 (VCV000509548.38), dbSNP rs751472610, ClinGen allele CA8141116.
Genomic context (GRCh38, chr16:70,271,980, plus strand): 5'-TCTCCCAGAAGTTATCCTTCATGTTGCCTGGGAGGATTTTGGTGTCATCCAGCCTGACAA[A>G]GGAGTAAAGATAAGTCCAGTTACAGCCCCTGACAAGAGTTCTGCCCAGACTTGCAACCAC-3'